The following is an entry in ClinVar:

ClinVar aggregate classification (germline): Likely benign. Review status: reviewed by expert panel (3 of 4 stars). 9 submissions from 9 submitters: Likely benign (1). 8 of the submissions do not count toward it. Last evaluated 2017-06-29.

Conditions:
Hereditary cancer-predisposing syndrome. Also called: Hereditary neoplastic syndrome; Hereditary Cancer Syndrome; Neoplastic Syndromes, Hereditary; Tumor predisposition. Identifiers: Orphanet 140162, MedGen C0027672, MeSH D009386, MONDO:0015356.
Breast-ovarian cancer, familial, susceptibility to, 2 (BROVCA2). Also called: BRCA2 Hereditary Breast and Ovarian Cancer. Identifiers: Orphanet 145, MedGen C2675520, MONDO:0012933, OMIM 612555. Disease mechanism: loss of function.
Hereditary breast ovarian cancer syndrome. Also called: Hereditary breast and ovarian cancer syndrome; BRCA1- and BRCA2-Associated Hereditary Breast and Ovarian Cancer; Hereditary breast and/or ovarian cancer syndrome; Hereditary breast and ovarian cancer; Breast and ovarian cancer; Hereditary breast and ovarian cancer syndrome (HBOC). Identifiers: Orphanet 145, MedGen C0677776, MeSH D061325, MONDO:0003582. Disease mechanism: loss of function.

Allele frequency attached by ClinVar (database versions not stated): gnomAD exomes below 0.00001.
gnomAD v4.1: 2 of 1,608,392 alleles (0.00012%); highest among the groups gnomAD compares: Middle Eastern, 0.017%; no homozygotes.

Submissions (9):

Evidence-based Network for the Interpretation of Germline Mutant Alleles (ENIGMA)
Classification: Likely benign for Breast-ovarian cancer, familial, susceptibility to, 2. Last evaluated: 2017-06-29. Review status: reviewed by expert panel. Criteria: ENIGMA BRCA1/2 Classification Criteria (2017-06-29). Collection method: curation. Allele origin: germline.
Comment: Synonymous substitution variant, with low bioinformatic likelihood to result in a splicing aberration (Splicing prior probability 0.02).

Labcorp Genetics (formerly Invitae), Labcorp
Classification: Likely benign for Hereditary breast ovarian cancer syndrome. Last evaluated: 2025-11-01. Review status: criteria provided, single submitter. Criteria: Invitae Variant Classification Sherloc (09022015). Collection method: clinical testing. Allele origin: germline. Not counted in ClinVar's aggregate classification.

Quest Diagnostics Nichols Institute San Juan Capistrano
Classification: Benign. Last evaluated: 2025-03-16. Review status: criteria provided, single submitter. Criteria: Quest Diagnostics criteria. Collection method: clinical testing. Allele origin: unknown. Not counted in ClinVar's aggregate classification.

All of Us Research Program, National Institutes of Health
Classification: Likely benign for Breast-ovarian cancer, familial, susceptibility to, 2. Last evaluated: 2023-07-19. Review status: criteria provided, single submitter. Criteria: ACMG Guidelines, 2015. Collection method: clinical testing. Allele origin: germline. Inheritance: Autosomal dominant inheritance. Observed: 1 variant allele, 1 heterozygote. Not counted in ClinVar's aggregate classification.
Comment: This study involves interpretation of variants in research participants for the purpose of population health screening. Participant phenotype was not available at the time of variant classification. Additional details can be found in publication PMID: 35346344, PMCID: PMC8962531

Sema4
Classification: Likely benign for Hereditary cancer-predisposing syndrome. Last evaluated: 2021-12-29. Review status: criteria provided, single submitter. Criteria: Sema4 Curation Guidelines. Collection method: curation. Allele origin: germline. Not counted in ClinVar's aggregate classification.

Color Diagnostics, LLC DBA Color Health
Classification: Likely benign for Hereditary cancer-predisposing syndrome. Last evaluated: 2019-11-18. Review status: criteria provided, single submitter. Criteria: ACMG Guidelines, 2015. Collection method: clinical testing. Allele origin: germline. Not counted in ClinVar's aggregate classification.

GeneDx
Classification: Likely benign. Last evaluated: 2019-09-26. Review status: criteria provided, single submitter. Criteria: GeneDx Variant Classification Process June 2021. Collection method: clinical testing. Allele origin: germline. Affected: yes. Not counted in ClinVar's aggregate classification.
Comment: Not observed in large population cohorts (Lek 2016)

Women's Health and Genetics/Laboratory Corporation of America, LabCorp
Classification: Likely benign. Last evaluated: 2019-08-21. Review status: criteria provided, single submitter. Criteria: LabCorp Variant Classification Summary - May 2015. Collection method: clinical testing. Allele origin: germline. Not counted in ClinVar's aggregate classification.

Ambry Genetics
Classification: Likely benign for Hereditary cancer-predisposing syndrome. Last evaluated: 2019-05-22. Review status: criteria provided, single submitter. Criteria: Ambry Variant Classification Scheme 2023. Collection method: clinical testing. Allele origin: germline. Not counted in ClinVar's aggregate classification.

NM_000059.4(BRCA2):c.5205A>G (p.Lys1735=)

Gene: BRCA2 (BRCA2 DNA repair associated; plus strand). Cytogenetic location: 13q13.1.
Variant type: single nucleotide variant.
Coding change: c.5205A>G on transcript NM_000059.4 (MANE Select); coding-DNA position 5205, A replaced by G.
Protein change: p.Lys1735=; no amino-acid change (lysine 1735 retained).
Molecular consequence: synonymous variant.
Genome position (GRCh38, 1-based): chr13:32,339,560, A>G. VCF-style: chr13-32339560-A-G. GRCh37 (hg19) VCF-style: chr13-32913697-A-G.
Identifiers: ClinVar variation 427384 (VCV000427384.25), dbSNP rs1131692115, ClinGen allele CA483438373.
Genomic context (GRCh38, chr13:32,339,560, plus strand): 5'-GTATGAAAATAATTCAAACAGTACTATAGCTGAAAATGACAAAAATCATCTCTCCGAAAA[A>G]CAAGATACTTATTTAAGTAACAGTAGCATGTCTAACAGCTATTCCTACCATTCTGATGAG-3'
Protein context (NP_000050.3, residues 1725-1745): AENDKNHLSE[Lys1735=]QDTYLSNSSM